The following is an entry in ClinVar:

ClinVar aggregate classification (germline): Likely benign (1 of 4 stars; one submission).

Allele frequency attached by ClinVar (database versions not stated): gnomAD exomes below 0.00001.
gnomAD v4.1: 2 of 1,489,812 alleles (0.00013%); highest among the groups gnomAD compares: Non-Finnish European, 0.000094%; no homozygotes.

Submission:

GeneDx
Classification: Likely benign. Last evaluated: 2018-02-09. Review status: criteria provided, single submitter. Criteria: GeneDx Variant Classification (06012015). Collection method: clinical testing. Allele origin: germline. Affected: yes.
Comment: This variant is considered likely benign or benign based on one or more of the following criteria: it is a conservative change, it occurs at a poorly conserved position in the protein, it is predicted to be benign by multiple in silico algorithms, and/or has population frequency not consistent with disease.

NM_002635.4(SLC25A3):c.814+12T>G

Gene: SLC25A3 (solute carrier family 25 member 3; plus strand). Cytogenetic location: 12q23.1.
Variant type: single nucleotide variant.
Coding change: c.814+12T>G on transcript NM_002635.4 (MANE Select); 12 bases into the intron after coding-DNA position 814, T replaced by G.
Molecular consequence: intron variant.
Genome position (GRCh38, 1-based): chr12:98,600,139, T>G. VCF-style: chr12-98600139-T-G. GRCh37 (hg19) VCF-style: chr12-98993917-T-G.
Other names: c.814+12T>G (NM_213611.3); c.817+12T>G (NM_005888.4).
Identifiers: ClinVar variation 515099 (VCV000515099.1), dbSNP rs1310564869, ClinGen allele CA607145149.